The following is an entry in ClinVar:

ClinVar aggregate classification (germline): Uncertain significance. Review status: criteria provided, multiple submitters, no conflicts (2 of 4 stars). 3 submissions from 3 submitters: Uncertain significance (3). Last evaluated 2022-08-03.

Conditions:
Autosomal recessive limb-girdle muscular dystrophy type 2N. Also called: MUSCULAR DYSTROPHY-DYSTROGLYCANOPATHY, LIMB-GIRDLE, POMT2-RELATED; Muscular dystrophy-dystroglycanopathy (limb-girdle), type C, 2. Identifiers: Orphanet 206559, MedGen C3150418, MONDO:0013162, OMIM 613158.
Muscular dystrophy-dystroglycanopathy (congenital with brain and eye anomalies), type A2. Also called: MUSCULAR DYSTROPHY-DYSTROGLYCANOPATHY (CONGENITAL WITH BRAIN AND EYE ANOMALIES), TYPE A, 2; WALKER-WARBURG SYNDROME OR MUSCLE-EYE-BRAIN DISEASE, POMT2-RELATED. Identifiers: Orphanet 588, Orphanet 899, MedGen C3150411, MONDO:0013154, OMIM 613150.
Muscular dystrophy-dystroglycanopathy (congenital with impaired intellectual development), type B, 2. Also called: MUSCULAR DYSTROPHY, CONGENITAL, POMT2-RELATED; Muscular dystrophy-dystroglycanopathy (congenital with intellectual disability), type B2. Identifiers: MedGen C3150416, MONDO:0013160, OMIM 613156.

Allele frequency attached by ClinVar (database versions not stated): gnomAD exomes below 0.00001.
gnomAD v4.1: 1 of 1,614,148 alleles (0.000062%); highest among the groups gnomAD compares: Non-Finnish European, 0.000085%; no homozygotes.

Submissions (3):

Labcorp Genetics (formerly Invitae), Labcorp
Classification: Uncertain significance for Muscular dystrophy-dystroglycanopathy (congenital with impaired intellectual development), type B, 2; Muscular dystrophy-dystroglycanopathy (congenital with brain and eye anomalies), type A2; Autosomal recessive limb-girdle muscular dystrophy type 2N. Last evaluated: 2022-08-03. Review status: criteria provided, single submitter. Criteria: Invitae Variant Classification Sherloc (09022015). Collection method: clinical testing. Allele origin: germline.
Comment: This sequence change replaces threonine, which is neutral and polar, with isoleucine, which is neutral and non-polar, at codon 295 of the POMT2 protein (p.Thr295Ile). This variant is not present in population databases (gnomAD no frequency). This variant has not been reported in the literature in individuals affected with POMT2-related conditions. ClinVar contains an entry for this variant (Variation ID: 198555). Algorithms developed to predict the effect of missense changes on protein structure and function output the following: SIFT: "Tolerated"; PolyPhen-2: "Benign"; Align-GVGD: "Class C0". The isoleucine amino acid residue is found in multiple mammalian species, which suggests that this missense change does not adversely affect protein function. In summary, the available evidence is currently insufficient to determine the role of this variant in disease. Therefore, it has been classified as a Variant of Uncertain Significance.

Revvity Omics, Revvity
Classification: Uncertain significance. Last evaluated: 2019-08-19. Review status: criteria provided, single submitter. Criteria: ACMG Guidelines, 2015. Collection method: clinical testing. Allele origin: germline.

Eurofins Ntd Llc (ga)
Classification: Uncertain significance. Last evaluated: 2015-04-30. Review status: criteria provided, single submitter. Criteria: EGL Classification Definitions 2015. Collection method: clinical testing. Allele origin: germline. Observed: 1 variant allele, 1 heterozygote.

NM_013382.7(POMT2):c.884C>T (p.Thr295Ile)

Gene: POMT2 (protein O-mannosyltransferase 2; minus strand). Cytogenetic location: 14q24.3.
Variant type: single nucleotide variant.
Coding change: c.884C>T on transcript NM_013382.7 (MANE Select); coding-DNA position 884, C replaced by T.
Protein change: p.Thr295Ile; replaces threonine 295 with isoleucine.
Molecular consequence: missense variant.
Genome position (GRCh38, 1-based): chr14:77,299,494, G>A on the plus strand (C>T on the coding strand, the complement: POMT2 is on the minus strand). VCF-style: chr14-77299494-G-A. GRCh37 (hg19) VCF-style: chr14-77765837-G-A.
Other names: c.884C>T (NM_013382.5); short protein forms T295I.
Identifiers: ClinVar variation 198555 (VCV000198555.9), dbSNP rs794727871, ClinGen allele CA247271.